The following is an entry in ClinVar:

ClinVar aggregate classification (germline): Uncertain significance (1 of 4 stars; one submission).

Submission:

Labcorp Genetics (formerly Invitae), Labcorp
Classification: Uncertain significance. Last evaluated: 2026-01-13. Review status: criteria provided, single submitter. Criteria: Invitae Variant Classification Sherloc (09022015). Collection method: clinical testing. Allele origin: germline.
Comment: This sequence change replaces proline, which is neutral and non-polar, with serine, which is neutral and polar, at codon 2342 of the PIEZO2 protein (p.Pro2342Ser). This variant is not present in population databases (gnomAD no frequency). This variant has not been reported in the literature in individuals affected with PIEZO2-related conditions. Invitae Evidence Modeling of protein sequence and biophysical properties (such as structural, functional, and spatial information, amino acid conservation, physicochemical variation, residue mobility, and thermodynamic stability) indicates that this missense variant is expected to disrupt PIEZO2 protein function with a positive predictive value of 80%. In summary, the available evidence is currently insufficient to determine the role of this variant in disease. Therefore, it has been classified as a Variant of Uncertain Significance.

NM_001378183.1(PIEZO2):c.7363C>T (p.Pro2455Ser)

Gene: PIEZO2 (piezo type mechanosensitive ion channel component 2; minus strand). Cytogenetic location: 18p11.22.
Variant type: single nucleotide variant.
Coding change: c.7363C>T on transcript NM_001378183.1 (MANE Select); coding-DNA position 7363, C replaced by T.
Protein change: p.Pro2455Ser; replaces proline 2455 with serine.
Molecular consequence: missense variant.
Genome position (GRCh38, 1-based): chr18:10,689,789, G>A on the plus strand (C>T on the coding strand, the complement: PIEZO2 is on the minus strand). VCF-style: chr18-10689789-G-A. GRCh37 (hg19) VCF-style: chr18-10689787-G-A.
Other names: c.7099C>T, p.Pro2367Ser (NM_001410871.1); c.7024C>T, p.Pro2342Ser (NM_022068.4); short protein forms P2342S, P2367S, P2455S.
Identifiers: ClinVar variation 4744153 (VCV004744153.1).
Genomic context (GRCh38, chr18:10,689,789, plus strand): 5'-GGCTCAAAGTTGTGTCCGTCCACACCCAGTCCATCACTGCCCTCAGCTCAGTCAAAAAGG[G>A]CACGAGGCGAAACCTGGCAGGAAACACATCTCGTCAGAGAGACATTCGTGGGTGGCCCCC-3'
Protein context (NP_001365112.1, residues 2445-2465): LFLFQGFRLV[Pro2455Ser]FLTELRAVMD